The following is an entry in ClinVar:

ClinVar aggregate classification (germline): Likely benign. Review status: criteria provided, single submitter (1 of 4 stars). 2 submissions from 2 submitters: Likely benign (1). 1 of the submissions does not count toward it. Last evaluated 2019-08-16.

Conditions:
Cardiovascular phenotype. Identifiers: MedGen CN230736.
ABCG8-related disorder. Also called: ABCG8-related condition.

Allele frequency attached by ClinVar (database versions not stated): ESP Exome Variant Server 0.00008.
gnomAD v4.1: 54 of 1,614,024 alleles (0.0033%); highest among the groups gnomAD compares: Admixed American, 0.01%; no homozygotes.

Submissions (2):

Ambry Genetics
Classification: Likely benign for Cardiovascular phenotype. Last evaluated: 2019-08-16. Review status: criteria provided, single submitter. Criteria: Ambry Variant Classification Scheme 2023. Collection method: clinical testing. Allele origin: germline.

PreventionGenetics, part of Exact Sciences
Classification: Likely benign for ABCG8-related condition. Last evaluated: 2024-06-21. Review status: no assertion criteria provided. Collection method: clinical testing. Allele origin: germline. Not counted in ClinVar's aggregate classification.
Comment: This variant is classified as likely benign based on ACMG/AMP sequence variant interpretation guidelines (Richards et al. 2015 PMID: 25741868, with internal and published modifications).

NM_022437.3(ABCG8):c.1293C>T (p.Ile431=)

Gene: ABCG8 (ATP binding cassette subfamily G member 8; plus strand). Cytogenetic location: 2p21.
Variant type: single nucleotide variant.
Coding change: c.1293C>T on transcript NM_022437.3 (MANE Select); coding-DNA position 1293, C replaced by T.
Protein change: p.Ile431=; no amino-acid change (isoleucine 431 retained).
Molecular consequence: synonymous variant.
Genome position (GRCh38, 1-based): chr2:43,873,868, C>T. VCF-style: chr2-43873868-C-T. GRCh37 (hg19) VCF-style: chr2-44101007-C-T.
Other names: c.1290C>T, p.Ile430= (NM_001357321.2).
Identifiers: ClinVar variation 1769159 (VCV001769159.3), dbSNP rs202176869, ClinGen allele CA1637391.